The following is an entry in ClinVar:

ClinVar aggregate classification (germline): Uncertain significance (1 of 4 stars; one submission).

Conditions:
Mosaic variegated aneuploidy syndrome 2 (MVA2). Identifiers: Orphanet 1052, MedGen C3279843, MONDO:0013582, OMIM 614114.

Submission:

Labcorp Genetics (formerly Invitae), Labcorp
Classification: Uncertain significance for Mosaic variegated aneuploidy syndrome 2. Last evaluated: 2022-02-20. Review status: criteria provided, single submitter. Criteria: Invitae Variant Classification Sherloc (09022015). Collection method: clinical testing. Allele origin: germline.
Comment: In summary, the available evidence is currently insufficient to determine the role of this variant in disease. Therefore, it has been classified as a Variant of Uncertain Significance. This variant, c.1342_1362del, results in the deletion of 7 amino acid(s) of the CEP57 protein (p.Arg448_Ser454del), but otherwise preserves the integrity of the reading frame. Experimental studies and prediction algorithms are not available or were not evaluated, and the functional significance of this variant is currently unknown. This variant has not been reported in the literature in individuals affected with CEP57-related conditions. This variant is not present in population databases (gnomAD no frequency).

NM_014679.5(CEP57):c.1342_1362del (p.Arg448_Ser454del)

Gene: CEP57 (centrosomal protein 57; plus strand). Cytogenetic location: 11q21.
Variant type: Deletion.
Coding change: c.1342_1362del on transcript NM_014679.5 (MANE Select); coding-DNA positions 1342 to 1362, 21 bases deleted (AGAAACAGCAGCAGCCGTTCT).
Protein change: p.Arg448_Ser454del.
Molecular consequence: inframe deletion.
Genome position (GRCh38, 1-based): chr11:95,831,095-95,831,115, AGAAACAGCAGCAGCCGTTCT deleted. VCF-style (leftmost placement, unchanged base first): chr11-95831094-AAGAAACAGCAGCAGCCGTTCT-A. GRCh37 (hg19) VCF-style: chr11-95564258-AAGAAACAGCAGCAGCCGTTCT-A.
Other names: c.1315_1335del, p.Arg439_Ser445del (NM_001243776.2); c.1264_1284del, p.Arg422_Ser428del (NM_001243777.2); c.1261_1281del, p.Arg421_Ser427del (NM_001363604.2).
Identifiers: ClinVar variation 2099424 (VCV002099424.4), dbSNP rs2496351851, ClinGen allele CA2574955439.